The following is an entry in ClinVar:

ClinVar aggregate classification (germline): Conflicting classifications of pathogenicity. Review status: criteria provided, conflicting classifications (1 of 4 stars). 2 submissions from 2 submitters: Uncertain significance (1); Likely benign (1). Last evaluated 2023-11-13.

Conditions:
Alstrom syndrome (ALMS). Identifiers: Orphanet 64, MedGen C0268425, MONDO:0008763, OMIM 203800.
Cardiovascular phenotype. Identifiers: MedGen CN230736.

Allele frequency attached by ClinVar (database versions not stated): ExAC 0.00001; gnomAD 0.00002; TOPMed 0.00002; gnomAD exomes 0.00005.
gnomAD v4.1: 70 of 1,614,036 alleles (0.0043%); highest among the groups gnomAD compares: Non-Finnish European, 0.0058%; no homozygotes.

Submissions (2):

Ambry Genetics
Classification: Likely benign for Cardiovascular phenotype. Last evaluated: 2023-11-13. Review status: criteria provided, single submitter. Criteria: Ambry Variant Classification Scheme 2023. Collection method: clinical testing. Allele origin: germline.

Labcorp Genetics (formerly Invitae), Labcorp
Classification: Uncertain significance for Alstrom syndrome. Last evaluated: 2022-01-21. Review status: criteria provided, single submitter. Criteria: Invitae Variant Classification Sherloc (09022015). Collection method: clinical testing. Allele origin: germline.
Comment: This sequence change replaces glutamine, which is neutral and polar, with arginine, which is basic and polar, at codon 2383 of the ALMS1 protein (p.Gln2383Arg). This variant is present in population databases (rs45447596, gnomAD 0.002%). This variant has not been reported in the literature in individuals affected with ALMS1-related conditions. Algorithms developed to predict the effect of missense changes on protein structure and function output the following: SIFT: "Not Available"; PolyPhen-2: "Not Available"; Align-GVGD: "Not Available". The arginine amino acid residue is found in multiple mammalian species, which suggests that this missense change does not adversely affect protein function. In summary, the available evidence is currently insufficient to determine the role of this variant in disease. Therefore, it has been classified as a Variant of Uncertain Significance.

NM_001378454.1(ALMS1):c.7145A>G (p.Gln2382Arg)

Gene: ALMS1 (ALMS1 centrosome and basal body associated protein; plus strand). Cytogenetic location: 2p13.1.
Variant type: single nucleotide variant.
Coding change: c.7145A>G on transcript NM_001378454.1 (MANE Select); coding-DNA position 7145, A replaced by G.
Protein change: p.Gln2382Arg; replaces glutamine 2382 with arginine.
Molecular consequence: missense variant.
Genome position (GRCh38, 1-based): chr2:73,453,672, A>G. VCF-style: chr2-73453672-A-G. GRCh37 (hg19) VCF-style: chr2-73680799-A-G.
Other names: c.7148A>G, p.Gln2383Arg (NM_015120.4); short protein forms Q2383R, Q2382R.
Identifiers: ClinVar variation 2076920 (VCV002076920.2), dbSNP rs45447596, ClinGen allele CA1714188.